The following is an entry in ClinVar:

ClinVar aggregate classification (germline): Likely benign. Review status: criteria provided, multiple submitters, no conflicts (2 of 4 stars). 3 submissions from 3 submitters: Likely benign (3). Last evaluated 2026-08-01.

Allele frequency attached by ClinVar (database versions not stated): gnomAD 0.00001; ExAC 0.00002; gnomAD exomes 0.00003 and 0.00004; TOPMed 0.00003.
gnomAD v4.1: 51 of 1,614,016 alleles (0.0032%); highest among the groups gnomAD compares: Admixed American, 0.005%; no homozygotes.

Submissions (3):

CeGaT Center for Human Genetics Tuebingen
Classification: Likely benign. Last evaluated: 2026-08-01. Review status: criteria provided, single submitter. Criteria: CeGaT Center For Human Genetics Tuebingen Variant Classification Criteria Version 2. Collection method: clinical testing. Allele origin: germline. Affected: yes. Observed: 1 variant allele.
Comment: NDST1: BP4, BP7

Blueprint Genetics
Classification: Likely benign. Last evaluated: 2024-08-06. Review status: criteria provided, single submitter. Criteria: ACMG Guidelines, 2015. Collection method: clinical testing. Allele origin: germline.

Labcorp Genetics (formerly Invitae), Labcorp
Classification: Likely benign. Last evaluated: 2018-06-26. Review status: criteria provided, single submitter. Criteria: Invitae Variant Classification Sherloc (09022015). Collection method: clinical testing. Allele origin: germline.

NM_001543.5(NDST1):c.1530C>T (p.Asn510=)

Gene: NDST1 (N-deacetylase and N-sulfotransferase 1; plus strand). Cytogenetic location: 5q33.1.
Variant type: single nucleotide variant.
Coding change: c.1530C>T on transcript NM_001543.5 (MANE Select); coding-DNA position 1530, C replaced by T.
Protein change: p.Asn510=; no amino-acid change (asparagine 510 retained).
Molecular consequence: synonymous variant.
Genome position (GRCh38, 1-based): chr5:150,539,320, C>T. VCF-style: chr5-150539320-C-T. GRCh37 (hg19) VCF-style: chr5-149918882-C-T.
Other names: c.1530C>T, p.Asn510= (NM_001301063.2).
Identifiers: ClinVar variation 751794 (VCV000751794.5), dbSNP rs763620272, ClinGen allele CA3512689.
Genomic context (GRCh38, chr5:150,539,320, plus strand): 5'-ACACACCATCTTCTACAACGAGTACCCTGGCGGCTCCAGTGAGCTGGACAAGATCATCAA[C>T]GGGGGCGAGCTCTTCCTCACCGTGCTCCTCAATCCTGTGAGTGCTCCACAGCCCATGGCT-3'
Protein context (NP_001534.1, residues 500-520): GGSSELDKII[Asn510=]GGELFLTVLL